The following is an entry in ClinVar:

ClinVar aggregate classification (germline): Benign/Likely benign. Review status: criteria provided, multiple submitters, no conflicts (2 of 4 stars). 3 submissions from 3 submitters: Benign (1); Likely benign (2). Last evaluated 2026-02-04.

Allele frequency attached by ClinVar (database versions not stated): ExAC 0.00118; gnomAD exomes 0.00121 and 0.00168; gnomAD 0.00125 and 0.00128; TOPMed 0.00133; ESP Exome Variant Server 0.00139; 1000 Genomes Project 0.00180.
gnomAD v4.1: 2,622 of 1,613,254 alleles (0.16%); highest among the groups gnomAD compares: Non-Finnish European, 0.2%; 1 homozygote.

Submissions (3):

Labcorp Genetics (formerly Invitae), Labcorp
Classification: Likely benign. Last evaluated: 2026-02-04. Review status: criteria provided, single submitter. Criteria: Invitae Variant Classification Sherloc (09022015). Collection method: clinical testing. Allele origin: germline.

Mayo Clinic Laboratories, Mayo Clinic
Classification: Likely benign. Last evaluated: 2025-05-21. Review status: criteria provided, single submitter. Criteria: ACMG Guidelines, 2015. Collection method: clinical testing. Allele origin: germline. Observed: 4 variant alleles.
Comment: BP4, BP7

Women's Health and Genetics/Laboratory Corporation of America, LabCorp
Classification: Benign. Last evaluated: 2025-03-28. Review status: criteria provided, single submitter. Criteria: LabCorp Variant Classification Summary - May 2015. Collection method: clinical testing. Allele origin: germline.

NM_013246.3(CLCF1):c.24G>A (p.Ser8=)

Genes: CLCF1 (cardiotrophin like cytokine factor 1; minus strand), LOC100130987 (uncharacterized LOC100130987; plus strand). Cytogenetic location: 11q13.2.
Variant type: single nucleotide variant.
Coding change: c.24G>A on transcript NM_013246.3 (MANE Select); coding-DNA position 24, G replaced by A.
Protein change: p.Ser8=; no amino-acid change (serine 8 retained).
Molecular consequence: synonymous variant. On other transcripts: 5 prime UTR variant (1).
Genome position (GRCh38, 1-based): chr11:67,367,619, C>T on the plus strand (G>A on the coding strand, the complement: CLCF1 is on the minus strand). VCF-style: chr11-67367619-C-T. GRCh37 (hg19) VCF-style: chr11-67135090-C-T.
Other names: p.Ser8=; c.-7G>A (NM_001166212.2).
Identifiers: ClinVar variation 730799 (VCV000730799.7), dbSNP rs141954460, ClinGen allele CA6136206.